The following is an entry in ClinVar:

ClinVar aggregate classification (germline): Uncertain significance (1 of 4 stars; one submission).

gnomAD v4.1: 1 of 1,609,326 alleles (0.000062%); highest among the groups gnomAD compares: Admixed American, 0.0017%; no homozygotes.

Submission:

CeGaT Center for Human Genetics Tuebingen
Classification: Uncertain significance. Last evaluated: 2025-07-01. Review status: criteria provided, single submitter. Criteria: CeGaT Center For Human Genetics Tuebingen Variant Classification Criteria Version 2. Collection method: clinical testing. Allele origin: germline. Affected: yes. Observed: 1 variant allele.
Comment: COMP: PM2

NM_000095.3(COMP):c.2114T>C (p.Leu705Pro)

Gene: COMP (cartilage oligomeric matrix protein; minus strand). Cytogenetic location: 19p13.11.
Variant type: single nucleotide variant.
Coding change: c.2114T>C on transcript NM_000095.3 (MANE Select); coding-DNA position 2114, T replaced by C.
Protein change: p.Leu705Pro; replaces leucine 705 with proline.
Molecular consequence: missense variant.
Genome position (GRCh38, 1-based): chr19:18,783,167, A>G on the plus strand (T>C on the coding strand, the complement: COMP is on the minus strand). VCF-style: chr19-18783167-A-G. GRCh37 (hg19) VCF-style: chr19-18893977-A-G.
Other names: short protein forms L705P.
Identifiers: ClinVar variation 4084941 (VCV004084941.8).